The following is an entry in ClinVar:

NM_020693.4(DSCAML1):c.5933C>G (p.Ala1978Gly)

Gene: DSCAML1 (DS cell adhesion molecule like 1; minus strand). Cytogenetic location: 11q23.3.
Variant type: single nucleotide variant.
Coding change: c.5933C>G on transcript NM_020693.4 (MANE Select); coding-DNA position 5933, C replaced by G.
Protein change: p.Ala1978Gly; replaces alanine 1978 with glycine.
Molecular consequence: missense variant.
Genome position (GRCh38, 1-based): chr11:117,428,557, G>C on the plus strand (C>G on the coding strand, the complement: DSCAML1 is on the minus strand). VCF-style: chr11-117428557-G-C. GRCh37 (hg19) VCF-style: chr11-117299273-G-C.
Other names: c.6113C>G (NM_020693.3); short protein forms A1978G.
Identifiers: ClinVar variation 1599964 (VCV001599964.11), dbSNP rs200329592, ClinGen allele CA6295927.

ClinVar aggregate classification (germline): Benign. Review status: criteria provided, multiple submitters, no conflicts (2 of 4 stars). 3 submissions from 3 submitters: Benign (2). 1 of the submissions does not count toward it. Last evaluated 2026-02-03.

Conditions:
DSCAML1-related disorder. Also called: DSCAML1-related condition.

Allele frequency attached by ClinVar (database versions not stated): gnomAD 0.00702 and 0.00805; 1000 Genomes Project 30x 0.01608; 1000 Genomes Project 0.01677; ExAC 0.02804; ESP Exome Variant Server 0.00120; TOPMed 0.00732.
gnomAD v4.1: 17,315 of 1,550,656 alleles (1.1%); highest among the groups gnomAD compares: South Asian, 2.9%; 148 homozygotes.

Submissions (3):

Labcorp Genetics (formerly Invitae), Labcorp
Classification: Benign. Last evaluated: 2026-02-03. Review status: criteria provided, single submitter. Criteria: Invitae Variant Classification Sherloc (09022015). Collection method: clinical testing. Allele origin: germline.

Breakthrough Genomics
Classification: Benign. Review status: criteria provided, single submitter. Criteria: ACMG Guidelines, 2015. Collection method: not provided. Allele origin: germline. Inheritance: Unknown mechanism. Affected: yes.

PreventionGenetics, part of Exact Sciences
Classification: Benign for DSCAML1-related condition. Last evaluated: 2023-12-26. Review status: no assertion criteria provided. Collection method: clinical testing. Allele origin: germline. Not counted in ClinVar's aggregate classification.
Comment: This variant is classified as benign based on ACMG/AMP sequence variant interpretation guidelines (Richards et al. 2015 PMID: 25741868, with internal and published modifications).